The following is an entry in ClinVar:

NM_014874.4(MFN2):c.486_494del (p.Gln162_Ala164del)

Gene: MFN2 (mitofusin 2; plus strand). Cytogenetic location: 1p36.22.
Variant type: Deletion.
Coding change: c.486_494del on transcript NM_014874.4 (MANE Select); coding-DNA positions 486 to 494, 9 bases deleted (GCTGGCCCA; older notation c.486_494delGCTGGCCCA).
Protein change: p.Gln162_Ala164del.
Molecular consequence: inframe deletion.
Genome position (GRCh38, 1-based): chr1:11,997,308-11,997,316, GCTGGCCCA deleted; deleting any 9 consecutive bases within chr1:11,997,305-11,997,316 gives the same sequence; the c. name uses the placement nearest the transcript's 3' end. VCF-style (leftmost placement, unchanged base first): chr1-11997304-ACCAGCTGGC-A. GRCh37 (hg19) VCF-style: chr1-12057361-ACCAGCTGGC-A.
Other names: c.486_494del, p.Gln162_Ala164del (NM_001127660.2).
Identifiers: ClinVar variation 2757401 (VCV002757401.3), dbSNP rs2523020853, ClinGen allele CA2697552212.

ClinVar aggregate classification (germline): Uncertain significance (1 of 4 stars; one submission).

Conditions:
Charcot-Marie-Tooth disease type 2. Also called: Charcot-Marie-Tooth type 2. Identifiers: Orphanet 64746, MedGen C0270914, MONDO:0018993.

Submission:

Labcorp Genetics (formerly Invitae), Labcorp
Classification: Uncertain significance for Charcot-Marie-Tooth disease type 2. Last evaluated: 2023-10-10. Review status: criteria provided, single submitter. Criteria: Invitae Variant Classification Sherloc (09022015). Collection method: clinical testing. Allele origin: germline.
Comment: This variant, c.486_494del, results in the deletion of 3 amino acid(s) of the MFN2 protein (p.Gln162_Ala164del), but otherwise preserves the integrity of the reading frame. This variant is not present in population databases (gnomAD no frequency). This variant has been observed in individual(s) with clinical features of autosomal dominant MFN2-related conditions (Invitae). Experimental studies and prediction algorithms are not available or were not evaluated, and the functional significance of this variant is currently unknown. In summary, the available evidence is currently insufficient to determine the role of this variant in disease. Therefore, it has been classified as a Variant of Uncertain Significance.